The following is an entry in ClinVar:

NM_001384732.1(CPLANE1):c.1435C>G (p.Gln479Glu)

Gene: CPLANE1 (ciliogenesis and planar polarity effector complex subunit 1; minus strand). Cytogenetic location: 5p13.2.
Variant type: single nucleotide variant.
Coding change: c.1435C>G on transcript NM_001384732.1 (MANE Select); coding-DNA position 1435, C replaced by G.
Protein change: p.Gln479Glu; replaces glutamine 479 with glutamic acid.
Molecular consequence: missense variant.
Genome position (GRCh38, 1-based): chr5:37,227,329, G>C on the plus strand (C>G on the coding strand, the complement: CPLANE1 is on the minus strand). VCF-style: chr5-37227329-G-C. GRCh37 (hg19) VCF-style: chr5-37227431-G-C.
Other names: c.1435C>G (NM_023073.3); c.1435C>G, p.Gln479Glu (NM_023073.4); short protein forms Q479E.
Identifiers: ClinVar variation 2165069 (VCV002165069.3), dbSNP rs1359820021, ClinGen allele CA359503037.

ClinVar aggregate classification (germline): Uncertain significance. Review status: criteria provided, multiple submitters, no conflicts (2 of 4 stars). 2 submissions from 2 submitters: Uncertain significance (2). Last evaluated 2024-03-28.

Conditions:
Orofaciodigital syndrome type 6 (OFD6). Also called: OROFACIODIGITAL SYNDROME VI; OFDS VI; POLYDACTYLY, CLEFT LIP/PALATE OR LINGUAL LUMP, AND PSYCHOMOTOR RETARDATION; VARADI SYNDROME; VARADI-PAPP SYNDROME; Oral-facial-digital syndrome type 6. Identifiers: Orphanet 2754, MedGen C2745997, MONDO:0010176, OMIM 277170.
Joubert syndrome 17 (JBTS17). Identifiers: Orphanet 475, MedGen C3553264, MONDO:0013824, OMIM 614615.

gnomAD v4.1: 6 of 1,551,970 alleles (0.00039%); highest among the groups gnomAD compares: Non-Finnish European, 0.00044%; no homozygotes.

Submissions (2):

Fulgent Genetics
Classification: Uncertain significance for Orofaciodigital syndrome type 6; Joubert syndrome 17. Last evaluated: 2024-03-28. Review status: criteria provided, single submitter. Criteria: ACMG Guidelines, 2015. Collection method: clinical testing. Allele origin: germline.

Labcorp Genetics (formerly Invitae), Labcorp
Classification: Uncertain significance. Last evaluated: 2022-04-20. Review status: criteria provided, single submitter. Criteria: Invitae Variant Classification Sherloc (09022015). Collection method: clinical testing. Allele origin: germline.
Comment: This sequence change replaces glutamine, which is neutral and polar, with glutamic acid, which is acidic and polar, at codon 479 of the CPLANE1 protein (p.Gln479Glu). This variant is not present in population databases (gnomAD no frequency). This variant has not been reported in the literature in individuals affected with CPLANE1-related conditions. Advanced modeling of protein sequence and biophysical properties (such as structural, functional, and spatial information, amino acid conservation, physicochemical variation, residue mobility, and thermodynamic stability) performed at Invitae indicates that this missense variant is not expected to disrupt CPLANE1 protein function. In summary, the available evidence is currently insufficient to determine the role of this variant in disease. Therefore, it has been classified as a Variant of Uncertain Significance.